The following is an entry in ClinVar:

NM_032892.5(FRMD5):c.812C>A (p.Thr271Lys)

Gene: FRMD5 (FERM domain containing 5; minus strand). Cytogenetic location: 15q15.3.
Variant type: single nucleotide variant.
Coding change: c.812C>A on transcript NM_032892.5 (MANE Select); coding-DNA position 812, C replaced by A.
Protein change: p.Thr271Lys; replaces threonine 271 with lysine.
Molecular consequence: missense variant. On other transcripts: non-coding transcript variant (1).
Genome position (GRCh38, 1-based): chr15:43,888,247, G>T on the plus strand (C>A on the coding strand, the complement: FRMD5 is on the minus strand). VCF-style: chr15-43888247-G-T. GRCh37 (hg19) VCF-style: chr15-44180445-G-T.
Other names: c.530C>A, p.Thr177Lys (NM_001286490.2); c.110C>A, p.Thr37Lys (NM_001286491.2); c.812C>A, p.Thr271Lys (NM_001322949.2, NM_001322950.2, NM_001411124.1); c.707C>A, p.Thr236Lys (NM_001322951.2); short protein forms T271K, T37K, T177K, T236K.
Identifiers: ClinVar variation 4985820 (VCV004985820.1).

ClinVar aggregate classification (germline): Uncertain significance (1 of 4 stars; one submission).

Conditions:
FRMD5-related condition.

gnomAD v4.1: 24 of 1,613,528 alleles (0.0015%); highest among the groups gnomAD compares: Non-Finnish European, 0.0018%; 1 homozygote.

Submission:

PreventionGenetics, part of Exact Sciences
Classification: Uncertain significance for FRMD5-related condition. Last evaluated: 2025-05-10. Review status: criteria provided, single submitter. Criteria: ACMG Guidelines, 2015. Collection method: clinical testing. Allele origin: germline.
Comment: The FRMD5 c.812C>A variant is predicted to result in the amino acid substitution p.Thr271Lys. To our knowledge, this variant has not been reported in the literature. This variant is reported in 0.0088% of alleles in individuals of European (Non-Finnish) descent in gnomAD. At this time, the clinical significance of this variant is uncertain due to the absence of conclusive functional and genetic evidence.